The following is an entry in ClinVar:

ClinVar aggregate classification (germline): Uncertain significance (1 of 4 stars; one submission).

Submission:

GeneDx
Classification: Uncertain significance. Last evaluated: 2022-02-07. Review status: criteria provided, single submitter. Criteria: GeneDx Variant Classification Process June 2021. Collection method: clinical testing. Allele origin: germline. Affected: yes.
Comment: Not observed at significant frequency in large population cohorts (gnomAD); In silico analysis supports that this missense variant has a deleterious effect on protein structure/function; Has not been previously published as pathogenic or benign to our knowledge

NM_000834.5(GRIN2B):c.4120A>C (p.Ser1374Arg)

Gene: GRIN2B (glutamate ionotropic receptor NMDA type subunit 2B; minus strand). Cytogenetic location: 12p13.1.
Variant type: single nucleotide variant.
Coding change: c.4120A>C on transcript NM_000834.5 (MANE Select); coding-DNA position 4120, A replaced by C.
Protein change: p.Ser1374Arg; replaces serine 1374 with arginine.
Molecular consequence: missense variant.
Genome position (GRCh38, 1-based): chr12:13,563,118, T>G on the plus strand (A>C on the coding strand, the complement: GRIN2B is on the minus strand). VCF-style: chr12-13563118-T-G. GRCh37 (hg19) VCF-style: chr12-13716052-T-G.
Other names: short protein forms S1374R.
Identifiers: ClinVar variation 1700426 (VCV001700426.2), dbSNP rs2136402897, ClinGen allele CA383986506.